The following is an entry in ClinVar:

NM_001385125.1(OPN1SW):c.668C>T (p.Ala223Val)

Gene: OPN1SW (opsin 1, short wave sensitive; minus strand). Cytogenetic location: 7q32.1.
Variant type: single nucleotide variant.
Coding change: c.668C>T on transcript NM_001385125.1 (MANE Select); coding-DNA position 668, C replaced by T.
Protein change: p.Ala223Val; replaces alanine 223 with valine.
Molecular consequence: missense variant.
Genome position (GRCh38, 1-based): chr7:128,774,508, G>A on the plus strand (C>T on the coding strand, the complement: OPN1SW is on the minus strand). VCF-style: chr7-128774508-G-A. GRCh37 (hg19) VCF-style: chr7-128414562-G-A.
Other names: short protein forms A223V.
Identifiers: ClinVar variation 1931567 (VCV001931567.5), dbSNP rs2536290992, ClinGen allele CA369218299.

ClinVar aggregate classification (germline): Uncertain significance (1 of 4 stars; one submission).

gnomAD v4.1: 1 of 1,613,854 alleles (0.000062%); highest among the groups gnomAD compares: Non-Finnish European, 0.000085%; no homozygotes.

Submission:

Labcorp Genetics (formerly Invitae), Labcorp
Classification: Uncertain significance. Last evaluated: 2022-08-30. Review status: criteria provided, single submitter. Criteria: Invitae Variant Classification Sherloc (09022015). Collection method: clinical testing. Allele origin: germline.
Comment: This variant has not been reported in the literature in individuals affected with OPN1SW-related conditions. Algorithms developed to predict the effect of missense changes on protein structure and function output the following: SIFT: "Deleterious"; PolyPhen-2: "Benign"; Align-GVGD: "Class C0". The valine amino acid residue is found in multiple mammalian species, which suggests that this missense change does not adversely affect protein function. In summary, the available evidence is currently insufficient to determine the role of this variant in disease. Therefore, it has been classified as a Variant of Uncertain Significance. This variant is not present in population databases (gnomAD no frequency). This sequence change replaces alanine, which is neutral and non-polar, with valine, which is neutral and non-polar, at codon 226 of the OPN1SW protein (p.Ala226Val).